The following is an entry in ClinVar:

ClinVar aggregate classification (germline): Uncertain significance (1 of 4 stars; one submission).

Conditions:
NRP2-related disorder. Also called: NRP2-related condition.

Submission:

PreventionGenetics, part of Exact Sciences
Classification: Uncertain significance for NRP2-related condition. Last evaluated: 2026-04-09. Review status: criteria provided, single submitter. Criteria: ACMG Guidelines, 2015. Collection method: clinical testing. Allele origin: germline.
Comment: The NRP2 c.1388G>T variant is predicted to result in the amino acid substitution p.Ser463Ile. To our knowledge, this variant has not been reported in the literature or in a large population database (gnomAD), indicating this variant is rare. At this time, the clinical significance of this variant is uncertain due to the absence of conclusive functional and genetic evidence.

NM_003872.3(NRP2):c.1388G>T (p.Ser463Ile)

Gene: NRP2 (neuropilin 2; plus strand). Cytogenetic location: 2q33.3.
Variant type: single nucleotide variant.
Coding change: c.1388G>T on transcript NM_003872.3 (MANE Select); coding-DNA position 1388, G replaced by T.
Protein change: p.Ser463Ile; replaces serine 463 with isoleucine.
Molecular consequence: missense variant.
Genome position (GRCh38, 1-based): chr2:205,743,299, G>T. VCF-style: chr2-205743299-G-T. GRCh37 (hg19) VCF-style: chr2-206608023-G-T.
Other names: c.1388G>T, p.Ser463Ile (NM_018534.4, NM_201264.2, NM_201266.2 and 2 more transcripts); short protein forms S463I.
Identifiers: ClinVar variation 4987542 (VCV004987542.1).
Genomic context (GRCh38, chr2:205,743,299, plus strand): 5'-GCCTCATTGCAGACTCCCAGATCTCCGCCTCTTCCACCCAGGAATACCTCTGGAGCCCCA[G>T]TGCAGCCCGCCTGGTTAGCAGCCGCTCGGGCTGGTTCCCTCGAATCCCTCAGGCCCAGCC-3'
Protein context (NP_003863.2, residues 453-473): SSTQEYLWSP[Ser463Ile]AARLVSSRSG